The following is an entry in ClinVar:

NM_002025.4(AFF2):c.2851T>C (p.Ser951Pro)

Gene: AFF2 (ALF transcription elongation factor 2; plus strand). Cytogenetic location: Xq28.
Variant type: single nucleotide variant.
Coding change: c.2851T>C on transcript NM_002025.4 (MANE Select); coding-DNA position 2851, T replaced by C.
Protein change: p.Ser951Pro; replaces serine 951 with proline.
Molecular consequence: missense variant.
Genome position (GRCh38, 1-based): chrX:148,962,875, T>C. VCF-style: chrX-148962875-T-C. GRCh37 (hg19) VCF-style: chrX-148044405-T-C.
Other names: c.2752T>C, p.Ser918Pro (NM_001169122.2); c.2821T>C, p.Ser941Pro (NM_001169123.2); c.2746T>C, p.Ser916Pro (NM_001169124.2); c.2734T>C, p.Ser912Pro (NM_001169125.2); c.1774T>C, p.Ser592Pro (NM_001170628.1); short protein forms S592P, S912P, S916P, S918P, S941P, S951P.
Identifiers: ClinVar variation 4056936 (VCV004056936.1).
Genomic context (GRCh38, chrX:148,962,875, plus strand): 5'-AGTGGCAATAATGGTCCCTTTGGTCAAGACAAAAACATCGCCATGACTGGACAAATCACA[T>C]CTACCAAACCTAAGAGAACTGAAGGCAAATTCTGTGCTACTTTCAAAGGGATATCGGTAA-3'
Protein context (NP_002016.2, residues 941-961): KNIAMTGQIT[Ser951Pro]TKPKRTEGKF

ClinVar aggregate classification (germline): Uncertain significance (1 of 4 stars; one submission).

Submission:

GeneDx
Classification: Uncertain significance. Last evaluated: 2025-01-04. Review status: criteria provided, single submitter. Criteria: GeneDx Variant Classification Process June 2021. Collection method: clinical testing. Allele origin: germline. Affected: yes.
Comment: Not observed at significant frequency in large population cohorts (gnomAD); In silico analysis supports that this missense variant has a deleterious effect on protein structure/function; Has not been previously published as pathogenic or benign to our knowledge